The following is an entry in ClinVar:

ClinVar aggregate classification (germline): Uncertain significance (1 of 4 stars; one submission).

Conditions:
Severe early-onset pulmonary alveolar proteinosis due to MARS deficiency. Also called: PULMONARY ALVEOLAR PROTEINOSIS, REUNION ISLAND; Interstitial lung and liver disease. Identifiers: Orphanet 440427, MedGen C4225400, MONDO:0014206, OMIM 615486.
Charcot-Marie-Tooth disease axonal type 2U. Also called: CHARCOT-MARIE-TOOTH NEUROPATHY, TYPE 2U; CHARCOT-MARIE-TOOTH DISEASE, AXONAL, AUTOSOMAL DOMINANT, TYPE 2U. Identifiers: Orphanet 397735, MedGen C4084821, MONDO:0014566, OMIM 616280.

Allele frequency attached by ClinVar (database versions not stated): TOPMed below 0.00001.

Submission:

Labcorp Genetics (formerly Invitae), Labcorp
Classification: Uncertain significance for Charcot-Marie-Tooth disease axonal type 2U; Severe early-onset pulmonary alveolar proteinosis due to MARS deficiency. Last evaluated: 2022-03-16. Review status: criteria provided, single submitter. Criteria: Invitae Variant Classification Sherloc (09022015). Collection method: clinical testing. Allele origin: germline.
Comment: This variant has not been reported in the literature in individuals affected with MARS-related conditions. In summary, the available evidence is currently insufficient to determine the role of this variant in disease. Therefore, it has been classified as a Variant of Uncertain Significance. Algorithms developed to predict the effect of missense changes on protein structure and function (SIFT, PolyPhen-2, Align-GVGD) all suggest that this variant is likely to be tolerated. This variant is not present in population databases (gnomAD no frequency). This sequence change replaces arginine, which is basic and polar, with glycine, which is neutral and non-polar, at codon 25 of the MARS protein (p.Arg25Gly).

NM_004990.4(MARS1):c.73A>G (p.Arg25Gly)

Genes: ARHGAP9 (Rho GTPase activating protein 9; minus strand), MARS1 (methionyl-tRNA synthetase 1; plus strand). Cytogenetic location: 12q13.3.
Variant type: single nucleotide variant.
Coding change: c.73A>G on transcript NM_004990.4 (MANE Select); coding-DNA position 73, A replaced by G.
Protein change: p.Arg25Gly; replaces arginine 25 with glycine.
Molecular consequence: missense variant. On other transcripts: intron variant (1).
Genome position (GRCh38, 1-based): chr12:57,488,163, A>G. VCF-style: chr12-57488163-A-G. GRCh37 (hg19) VCF-style: chr12-57881946-A-G.
Other names: c.-204+449T>C (NM_001319850.2); short protein forms R25G.
Identifiers: ClinVar variation 1965121 (VCV001965121.5), dbSNP rs1875589608, ClinGen allele CA385490069.
Genomic context (GRCh38, chr12:57,488,163, plus strand): 5'-GTGAGTGATGGCGTCCCGGGTTGCTTGCCGGTGCTGGCCGCCGCCGGGAGAGCCCGGGGC[A>G]GAGCAGAGGTGCTCATCAGCACTGTAGGCCCGGAAGGTACTCGTGCTGGTGCTGGTGGGC-3'
Protein context (NP_004981.2, residues 15-35): VLAAAGRARG[Arg25Gly]AEVLISTVGP